The following is an entry in ClinVar:

NM_015272.5(RPGRIP1L):c.3765T>G (p.Ile1255Met)

Gene: RPGRIP1L (RPGRIP1 like; minus strand). Cytogenetic location: 16q12.2.
Variant type: single nucleotide variant.
Coding change: c.3765T>G on transcript NM_015272.5 (MANE Select); coding-DNA position 3765, T replaced by G.
Protein change: p.Ile1255Met; replaces isoleucine 1255 with methionine.
Molecular consequence: missense variant.
Genome position (GRCh38, 1-based): chr16:53,605,551, A>C on the plus strand (T>G on the coding strand, the complement: RPGRIP1L is on the minus strand). VCF-style: chr16-53605551-A-C. GRCh37 (hg19) VCF-style: chr16-53639463-A-C.
Other names: c.3525T>G, p.Ile1175Met (NM_001127897.4); c.3627T>G, p.Ile1209Met (NM_001308334.3); c.3663T>G, p.Ile1221Met (NM_001330538.2); short protein forms I1209M, I1221M, I1255M, I1175M.
Identifiers: ClinVar variation 1471652 (VCV001471652.6), dbSNP rs2150920632, ClinGen allele CA395921302.

ClinVar aggregate classification (germline): Uncertain significance (1 of 4 stars; one submission).

Conditions:
Meckel-Gruber syndrome. Also called: DYSENCEPHALIA SPLANCHNOCYSTICA; GRUBER SYNDROME; Dysencephalia splachnocystica. Identifiers: Orphanet 564, MedGen C0265215, MONDO:0018921.
Joubert syndrome. Also called: CEREBELLOPARENCHYMAL DISORDER IV; JOUBERT-BOLTSHAUSER SYNDROME; Familial aplasia of the vermis. Identifiers: Orphanet 475, MedGen C5979921, MONDO:0018772.

Submission:

Labcorp Genetics (formerly Invitae), Labcorp
Classification: Uncertain significance for Joubert syndrome; Meckel-Gruber syndrome. Last evaluated: 2022-10-25. Review status: criteria provided, single submitter. Criteria: Invitae Variant Classification Sherloc (09022015). Collection method: clinical testing. Allele origin: germline.
Comment: In summary, the available evidence is currently insufficient to determine the role of this variant in disease. Therefore, it has been classified as a Variant of Uncertain Significance. Advanced modeling of protein sequence and biophysical properties (such as structural, functional, and spatial information, amino acid conservation, physicochemical variation, residue mobility, and thermodynamic stability) performed at Invitae indicates that this missense variant is expected to disrupt RPGRIP1L protein function. ClinVar contains an entry for this variant (Variation ID: 1471652). This variant has not been reported in the literature in individuals affected with RPGRIP1L-related conditions. This variant is not present in population databases (gnomAD no frequency). This sequence change replaces isoleucine, which is neutral and non-polar, with methionine, which is neutral and non-polar, at codon 1255 of the RPGRIP1L protein (p.Ile1255Met).